The following is an entry in ClinVar:

NM_001848.3(COL6A1):c.428+14A>G

Gene: COL6A1 (collagen type VI alpha 1 chain; plus strand). Cytogenetic location: 21q22.3.
Variant type: single nucleotide variant.
Coding change: c.428+14A>G on transcript NM_001848.3 (MANE Select); 14 bases into the intron after coding-DNA position 428, A replaced by G.
Molecular consequence: intron variant.
Genome position (GRCh38, 1-based): chr21:45,984,483, A>G. VCF-style: chr21-45984483-A-G. GRCh37 (hg19) VCF-style: chr21-47404397-A-G.
Identifiers: ClinVar variation 93873 (VCV000093873.27), dbSNP rs3746993, ClinGen allele CA147406.

ClinVar aggregate classification (germline): Benign. Review status: criteria provided, multiple submitters, no conflicts (2 of 4 stars). 11 submissions from 10 submitters: Benign (8). 3 of the submissions do not count toward it. Last evaluated 2026-02-04.

Conditions:
Ullrich congenital muscular dystrophy 1A. Also called: Ullrich congenital muscular dystrophy 1; Intermediate COL6-RD. Identifiers: Orphanet 75840, MedGen C0410179, MONDO:0009681, OMIM 254090.
Collagen 6-related myopathy. Identifiers: MedGen CN117976, MONDO:0100225.
Bethlem myopathy 1A. Also called: Bethlem myopathy 1; Bethlem Muscular Dystrophy; MYOPATHY, BENIGN CONGENITAL, WITH CONTRACTURES. Identifiers: Orphanet 610, MedGen CN029274, MONDO:0024530, OMIM 158810.

Allele frequency attached by ClinVar (database versions not stated): ExAC 0.86443; gnomAD 0.87022 and 0.87078; 1000 Genomes Project 0.88039; gnomAD exomes 0.85444 and 0.86042; TOPMed 0.86988; 1000 Genomes Project 30x 0.87976; ESP Exome Variant Server 0.86318.
gnomAD v4.1: 1,374,704 of 1,605,828 alleles (86%); highest among the groups gnomAD compares: East Asian, 94%; 589,019 homozygotes.

Submissions (11):

Labcorp Genetics (formerly Invitae), Labcorp
Classification: Benign for Bethlem myopathy 1A. Last evaluated: 2026-02-04. Review status: criteria provided, single submitter. Criteria: Invitae Variant Classification Sherloc (09022015). Collection method: clinical testing. Allele origin: germline.

Genome-Nilou Lab
Classification: Benign for Bethlem myopathy 1A. Last evaluated: 2021-07-30. Review status: criteria provided, single submitter. Criteria: ACMG Guidelines, 2015. Collection method: clinical testing. Allele origin: germline. Affected: no.

Genome-Nilou Lab
Classification: Benign for Ullrich congenital muscular dystrophy 1A. Last evaluated: 2021-07-30. Review status: criteria provided, single submitter. Criteria: ACMG Guidelines, 2015. Collection method: clinical testing. Allele origin: germline. Affected: no.

Illumina Laboratory Services, Illumina
Classification: Benign for Collagen VI-related myopathy. Last evaluated: 2018-01-13. Review status: criteria provided, single submitter. Criteria: ICSL Variant Classification Criteria 13 December 2019. Collection method: clinical testing. Allele origin: germline.
Comment: This variant was observed in the ICSL laboratory as part of a predisposition screen in an ostensibly healthy population. It had not been previously curated by ICSL or reported in the Human Gene Mutation Database (HGMD: prior to June 1st, 2018), and was therefore a candidate for classification through an automated scoring system. Utilizing variant allele frequency, disease prevalence and penetrance estimates, and inheritance mode, an automated score was calculated to assess if this variant is too frequent to cause the disease. Based on the score and internal cut-off values, a variant classified as benign is not then subjected to further curation. The score for this variant resulted in a classification of benign for this disease.

GeneDx
Classification: Benign. Last evaluated: 2016-01-22. Review status: criteria provided, single submitter. Criteria: GeneDx Variant Classification (06012015). Collection method: clinical testing. Allele origin: germline. Affected: yes.
Comment: This variant is considered likely benign or benign based on one or more of the following criteria: it is a conservative change, it occurs at a poorly conserved position in the protein, it is predicted to be benign by multiple in silico algorithms, and/or has population frequency not consistent with disease.

Eurofins Ntd Llc (ga)
Classification: Benign. Last evaluated: 2014-10-14. Review status: criteria provided, single submitter. Criteria: EGL Classification Definitions 2015. Collection method: clinical testing. Allele origin: germline. Observed: 92 variant alleles, 21 heterozygotes, 71 homozygotes.

Breakthrough Genomics
Classification: Benign. Review status: criteria provided, single submitter. Criteria: ACMG Guidelines, 2015. Collection method: not provided. Allele origin: germline. Inheritance: Autosomal recessive inheritance. Affected: yes.

PreventionGenetics, part of Exact Sciences
Classification: Benign. Review status: criteria provided, single submitter. Criteria: ACMG Guidelines, 2015. Collection method: clinical testing. Allele origin: germline.

Clinical Genetics, Academic Medical Center
Classification: Benign. Review status: no assertion criteria provided. Collection method: clinical testing. Allele origin: germline. Affected: yes. Study: VKGL Data-share Consensus. Not counted in ClinVar's aggregate classification.

Diagnostic Laboratory, Department of Genetics, University Medical Center Groningen
Classification: Benign. Review status: no assertion criteria provided. Collection method: clinical testing. Allele origin: germline. Affected: yes. Study: VKGL Data-share Consensus. Not counted in ClinVar's aggregate classification.

Joint Genome Diagnostic Labs from Nijmegen and Maastricht, Radboudumc and MUMC+
Classification: Benign. Review status: no assertion criteria provided. Collection method: clinical testing. Allele origin: germline. Affected: yes. Study: VKGL Data-share Consensus. Not counted in ClinVar's aggregate classification.